The following is an entry in ClinVar:

ClinVar aggregate classification (germline): Likely benign. Review status: criteria provided, multiple submitters, no conflicts (2 of 4 stars). 8 submissions from 5 submitters: Likely benign (8). Last evaluated 2025-05-11.

Conditions:
Hypokalemic periodic paralysis, type 1. Also called: HypoPP; Hypokalemic Periodic Paralysis Type 1 (AD). Identifiers: Orphanet 681, MedGen C3714580, MONDO:0042979, OMIM 170400.
Malignant hyperthermia, susceptibility to, 5 (MHS5). Also called: CACNA1S-Related Malignant Hyperthermia Susceptibility. Identifiers: Orphanet 423, MedGen C1866077, MONDO:0011163, OMIM 601887.
Thyrotoxic periodic paralysis, susceptibility to, 1 (TTPP1). Identifiers: Orphanet 79102, MedGen C2749982, MONDO:0008570, OMIM 188580.
Congenital myopathy 18. Also called: Myopathy, congenital, due to dihydropyridine receptor defect; DIHYDROPYRIDINE RECEPTOR CONGENITAL MYOPATHY; DHPR CONGENITAL MYOPATHY. Identifiers: MedGen C5830283, MONDO:0859514, OMIM 620246.

Allele frequency attached by ClinVar (database versions not stated): ExAC 0.00001; gnomAD exomes 0.00002.
gnomAD v4.1: 37 of 1,613,176 alleles (0.0023%); highest among the groups gnomAD compares: Non-Finnish European, 0.003%; no homozygotes.

Submissions (8):

Labcorp Genetics (formerly Invitae), Labcorp
Classification: Likely benign for Hypokalemic periodic paralysis, type 1; Malignant hyperthermia, susceptibility to, 5. Last evaluated: 2025-05-11. Review status: criteria provided, single submitter. Criteria: Invitae Variant Classification Sherloc (09022015). Collection method: clinical testing. Allele origin: germline.

All of Us Research Program, National Institutes of Health
Classification: Likely benign for Malignant hyperthermia, susceptibility to, 5. Last evaluated: 2023-12-18. Review status: criteria provided, single submitter. Criteria: ACMG Guidelines, 2015. Collection method: clinical testing. Allele origin: germline. Inheritance: Autosomal dominant inheritance. Observed: 14 variant alleles, 14 heterozygotes.
Comment: This study involves interpretation of variants in research participants for the purpose of population health screening. Participant phenotype was not available at the time of variant classification. Additional details can be found in publication PMID: 35346344, PMCID: PMC8962531

Genome-Nilou Lab
Classification: Likely benign for Malignant hyperthermia, susceptibility to, 5. Last evaluated: 2023-04-11. Review status: criteria provided, single submitter. Criteria: ACMG Guidelines, 2015. Collection method: clinical testing. Allele origin: germline. Affected: no.

Genome-Nilou Lab
Classification: Likely benign for Thyrotoxic periodic paralysis, susceptibility to, 1. Last evaluated: 2023-04-11. Review status: criteria provided, single submitter. Criteria: ACMG Guidelines, 2015. Collection method: clinical testing. Allele origin: germline. Affected: no.

Genome-Nilou Lab
Classification: Likely benign for Congenital myopathy 18. Last evaluated: 2023-04-11. Review status: criteria provided, single submitter. Criteria: ACMG Guidelines, 2015. Collection method: clinical testing. Allele origin: germline. Affected: no.

Genome-Nilou Lab
Classification: Likely benign for Hypokalemic periodic paralysis, type 1. Last evaluated: 2023-04-11. Review status: criteria provided, single submitter. Criteria: ACMG Guidelines, 2015. Collection method: clinical testing. Allele origin: germline. Affected: no.

Color Diagnostics, LLC DBA Color Health
Classification: Likely benign for Malignant hyperthermia, susceptibility to, 5. Last evaluated: 2022-11-06. Review status: criteria provided, single submitter. Criteria: ACMG Guidelines, 2015. Collection method: clinical testing. Allele origin: germline.

Athena Diagnostics
Classification: Likely benign. Last evaluated: 2021-02-26. Review status: criteria provided, single submitter. Criteria: Athena Diagnostics criteria. Collection method: clinical testing. Allele origin: unknown.

NM_000069.3(CACNA1S):c.1092G>C (p.Arg364=)

Gene: CACNA1S (calcium voltage-gated channel subunit alpha1 S; minus strand). Cytogenetic location: 1q32.1.
Variant type: single nucleotide variant.
Coding change: c.1092G>C on transcript NM_000069.3 (MANE Select); coding-DNA position 1092, G replaced by C.
Protein change: p.Arg364=; no amino-acid change (arginine 364 retained).
Molecular consequence: synonymous variant.
Genome position (GRCh38, 1-based): chr1:201,085,494, C>G on the plus strand (G>C on the coding strand, the complement: CACNA1S is on the minus strand). VCF-style: chr1-201085494-C-G. GRCh37 (hg19) VCF-style: chr1-201054622-C-G.
Identifiers: ClinVar variation 1256073 (VCV001256073.12), dbSNP rs763965450, ClinGen allele CA077946.